The following is an entry in ClinVar:

NM_001042492.3(NF1):c.699A>C (p.Lys233Asn)

Gene: NF1 (neurofibromin 1; plus strand). Cytogenetic location: 17q11.2.
Variant type: single nucleotide variant.
Coding change: c.699A>C on transcript NM_001042492.3 (MANE Select); coding-DNA position 699, A replaced by C.
Protein change: p.Lys233Asn; replaces lysine 233 with asparagine.
Molecular consequence: missense variant.
Genome position (GRCh38, 1-based): chr17:31,181,754, A>C. VCF-style: chr17-31181754-A-C. GRCh37 (hg19) VCF-style: chr17-29508772-A-C.
Other names: c.699A>C, p.Lys233Asn (NM_000267.4, NM_001128147.3); short protein forms K233N.
Identifiers: ClinVar variation 826757 (VCV000826757.4), dbSNP rs1597658628, ClinGen allele CA398990019.

ClinVar aggregate classification (germline): Uncertain significance (1 of 4 stars; one submission).

Conditions:
Hereditary cancer-predisposing syndrome. Also called: Neoplastic Syndromes, Hereditary; Tumor predisposition; Hereditary neoplastic syndrome; Hereditary Cancer Syndrome. Identifiers: Orphanet 140162, MedGen C0027672, MeSH D009386, MONDO:0015356.
Cardiovascular phenotype. Identifiers: MedGen CN230736.

gnomAD v4.1: 1 of 1,610,242 alleles (0.000062%); no homozygotes.

Submission:

Ambry Genetics
Classification: Uncertain significance for Cardiovascular phenotype; Hereditary cancer-predisposing syndrome. Last evaluated: 2019-12-04. Review status: criteria provided, single submitter. Criteria: Ambry Variant Classification Scheme 2023. Collection method: clinical testing. Allele origin: germline.
Comment: The p.K233N variant (also known as c.699A>C), located in coding exon 7 of the NF1 gene, results from an A to C substitution at nucleotide position 699. The lysine at codon 233 is replaced by asparagine, an amino acid with similar properties. This amino acid position is well conserved in available vertebrate species. In addition, this alteration is predicted to be tolerated by in silico analysis. Since supporting evidence is limited at this time, the clinical significance of this alteration remains unclear.